The following is an entry in ClinVar:

ClinVar aggregate classification (germline): Likely benign (1 of 4 stars; one submission).

Submission:

CeGaT Center for Human Genetics Tuebingen
Classification: Likely benign. Last evaluated: 2026-09-01. Review status: criteria provided, single submitter. Criteria: CeGaT Center For Human Genetics Tuebingen Variant Classification Criteria Version 2. Collection method: clinical testing. Allele origin: germline. Affected: yes. Observed: 1 variant allele.
Comment: UBC: BP4, BP7

NM_021009.7(UBC):c.828G>A (p.Lys276=)

Gene: UBC (ubiquitin C; minus strand). Cytogenetic location: 12q24.31.
Variant type: single nucleotide variant.
Coding change: c.828G>A on transcript NM_021009.7 (MANE Select); coding-DNA position 828, G replaced by A.
Protein change: p.Lys276=; no amino-acid change (lysine 276 retained).
Molecular consequence: synonymous variant.
Genome position (GRCh38, 1-based): chr12:124,912,944, C>T on the plus strand (G>A on the coding strand, the complement: UBC is on the minus strand). VCF-style: chr12-124912944-C-T. GRCh37 (hg19) VCF-style: chr12-125397490-C-T.
Identifiers: ClinVar variation 5040906 (VCV005040906.1).